The following is an entry in ClinVar:

NM_001606.5(ABCA2):c.1703G>A (p.Trp568Ter)

Gene: ABCA2 (ATP binding cassette subfamily A member 2; minus strand). Cytogenetic location: 9q34.3.
Variant type: single nucleotide variant.
Coding change: c.1703G>A on transcript NM_001606.5 (MANE Select); coding-DNA position 1703, G replaced by A.
Protein change: p.Trp568Ter; replaces tryptophan 568 with a stop codon.
Molecular consequence: nonsense.
Genome position (GRCh38, 1-based): chr9:137,018,922, C>T on the plus strand (G>A on the coding strand, the complement: ABCA2 is on the minus strand). VCF-style: chr9-137018922-C-T. GRCh37 (hg19) VCF-style: chr9-139913374-C-T.
Other names: c.1793G>A, p.Trp598Ter (NM_212533.3); short protein forms W568*, W598*.
Identifiers: ClinVar variation 1315390 (VCV001315390.4), dbSNP rs2131456686, ClinGen allele CA375675103.

ClinVar aggregate classification (germline): Likely pathogenic (1 of 4 stars; one submission).

Submission:

GeneDx
Classification: Likely pathogenic. Last evaluated: 2026-08-13. Review status: criteria provided, single submitter. Criteria: GeneDx Variant Classification Process June 2021. Collection method: clinical testing. Allele origin: germline.
Comment: Nonsense variant predicted to result in protein truncation or nonsense mediated decay in a gene for which loss of function is a known mechanism of disease; Not observed at significant frequency in large population cohorts (gnomAD); Has not been previously published as pathogenic or benign to our knowledge